The following is an entry in ClinVar:

ClinVar aggregate classification (germline): Uncertain significance. Review status: criteria provided, multiple submitters, no conflicts (2 of 4 stars). 3 submissions from 3 submitters: Uncertain significance (3). Last evaluated 2025-05-01.

gnomAD v4.1: 6 of 1,612,984 alleles (0.00037%); highest among the groups gnomAD compares: African/African-American, 0.004%; no homozygotes.

Submissions (3):

CeGaT Center for Human Genetics Tuebingen
Classification: Uncertain significance. Last evaluated: 2025-05-01. Review status: criteria provided, single submitter. Criteria: CeGaT Center For Human Genetics Tuebingen Variant Classification Criteria Version 2. Collection method: clinical testing. Allele origin: germline. Affected: yes. Observed: 1 variant allele.
Comment: KANK1: PM2

Ambry Genetics
Classification: Uncertain significance. Last evaluated: 2025-03-18. Review status: criteria provided, single submitter. Criteria: Ambry Variant Classification Scheme 2023. Collection method: clinical testing. Allele origin: germline.

Labcorp Genetics (formerly Invitae), Labcorp
Classification: Uncertain significance. Last evaluated: 2024-09-05. Review status: criteria provided, single submitter. Criteria: Invitae Variant Classification Sherloc (09022015). Collection method: clinical testing. Allele origin: germline.
Comment: This sequence change replaces proline, which is neutral and non-polar, with serine, which is neutral and polar, at codon 30 of the KANK1 protein (p.Pro30Ser). This variant is not present in population databases (gnomAD no frequency). This variant has not been reported in the literature in individuals affected with KANK1-related conditions. ClinVar contains an entry for this variant (Variation ID: 1961319). An algorithm developed to predict the effect of missense changes on protein structure and function (PolyPhen-2) suggests that this variant is likely to be disruptive. In summary, the available evidence is currently insufficient to determine the role of this variant in disease. Therefore, it has been classified as a Variant of Uncertain Significance.

NM_015158.5(KANK1):c.88C>T (p.Pro30Ser)

Gene: KANK1 (KN motif and ankyrin repeat domains 1; plus strand). Cytogenetic location: 9p24.3.
Variant type: single nucleotide variant.
Coding change: c.88C>T on transcript NM_015158.5 (MANE Select); coding-DNA position 88, C replaced by T.
Protein change: p.Pro30Ser; replaces proline 30 with serine.
Molecular consequence: missense variant. On other transcripts: 5 prime UTR variant (12), non-coding transcript variant (1).
Genome position (GRCh38, 1-based): chr9:710,854, C>T. VCF-style: chr9-710854-C-T. GRCh37 (hg19) VCF-style: chr9-710854-C-T.
Other names: c.88C>T, p.Pro30Ser (NM_001256876.3, NM_001256877.3, NM_001354331.2 and 2 more transcripts); c.-387C>T (NM_001354342.2, NM_001354343.2, NM_001354344.2 and 9 more transcripts); c.88C>T (NM_015158.2); short protein forms P30S.
Identifiers: ClinVar variation 1961319 (VCV001961319.15), dbSNP rs774462174, ClinGen allele CA372745444.